The following is an entry in ClinVar:

ClinVar aggregate classification (germline): Likely benign (1 of 4 stars; one submission).

gnomAD v4.1: 2 of 1,583,130 alleles (0.00013%); highest among the groups gnomAD compares: Non-Finnish European, 0.00017%; no homozygotes.

Submission:

CeGaT Center for Human Genetics Tuebingen
Classification: Likely benign. Last evaluated: 2022-09-01. Review status: criteria provided, single submitter. Criteria: CeGaT Center For Human Genetics Tuebingen Variant Classification Criteria Version 2. Collection method: clinical testing. Allele origin: germline. Affected: yes. Observed: 1 variant allele.
Comment: TANC2: PM2:Supporting, BP4, BP7

NM_001394998.1(TANC2):c.114C>T (p.Asp38=)

Gene: TANC2 (tetratricopeptide repeat, ankyrin repeat and coiled-coil containing 2; plus strand). Cytogenetic location: 17q23.2.
Variant type: single nucleotide variant.
Coding change: c.114C>T on transcript NM_001394998.1 (MANE Select); coding-DNA position 114, C replaced by T.
Protein change: p.Asp38=; no amino-acid change (aspartic acid 38 retained).
Molecular consequence: synonymous variant.
Genome position (GRCh38, 1-based): chr17:63,073,989, C>T. VCF-style: chr17-63073989-C-T. GRCh37 (hg19) VCF-style: chr17-61151350-C-T.
Other names: c.114C>T, p.Asp38= (NM_001411076.1, NM_025185.4).
Identifiers: ClinVar variation 2648037 (VCV002648037.24), dbSNP rs781235539, ClinGen allele CA501307672.